The following is an entry in ClinVar:

ClinVar aggregate classification (germline): Conflicting classifications of pathogenicity. Review status: criteria provided, conflicting classifications (1 of 4 stars). 4 submissions from 4 submitters: Uncertain significance (1); Likely benign (3). Last evaluated 2025-10-02.

Conditions:
Hereditary cancer-predisposing syndrome. Also called: Hereditary neoplastic syndrome; Tumor predisposition; Hereditary Cancer Syndrome; Neoplastic Syndromes, Hereditary. Identifiers: Orphanet 140162, MedGen C0027672, MeSH D009386, MONDO:0015356.
Breast-ovarian cancer, familial, susceptibility to, 4. Identifiers: Orphanet 145, MedGen C3280345, MONDO:0013669, OMIM 614291.

Allele frequency attached by ClinVar (database versions not stated): gnomAD exomes 0.00001 and 0.00002; ExAC 0.00002.
gnomAD v4.1: 16 of 1,613,996 alleles (0.00099%); highest among the groups gnomAD compares: Non-Finnish European, 0.0012%; no homozygotes.

Submissions (4):

Labcorp Genetics (formerly Invitae), Labcorp
Classification: Likely benign for Breast-ovarian cancer, familial, susceptibility to, 4. Last evaluated: 2025-10-02. Review status: criteria provided, single submitter. Criteria: Invitae Variant Classification Sherloc (09022015). Collection method: clinical testing. Allele origin: germline.

Sema4
Classification: Uncertain significance for Hereditary cancer-predisposing syndrome. Last evaluated: 2022-01-10. Review status: criteria provided, single submitter. Criteria: Sema4 Curation Guidelines. Collection method: curation. Allele origin: germline.
Comment: The RAD51D c.346-4C>G variant has not been reported in the literature to our knowledge. This variant was observed in 2/113716 chromosomes in the Non-Finnish European population according to the Genome Aggregation Database (PMID: 32461654). The variant has been reported in ClinVar (Variation ID 492427). In silico tools that predict the effect of sequence changes on splicing suggest that this variant may not impact splicing though these predictions have not been confirmed by functional studies. The overall evidence is insufficient to meet ACMG/AMP criteria for classifying it as benign or pathogenic. In summary, the clinical significance of this variant is currently uncertain.

Ambry Genetics
Classification: Likely benign for Hereditary cancer-predisposing syndrome. Last evaluated: 2020-06-15. Review status: criteria provided, single submitter. Criteria: Ambry Variant Classification Scheme 2023. Collection method: clinical testing. Allele origin: germline.

Color Diagnostics, LLC DBA Color Health
Classification: Likely benign for Hereditary cancer-predisposing syndrome. Last evaluated: 2017-04-24. Review status: criteria provided, single submitter. Criteria: ACMG Guidelines, 2015. Collection method: clinical testing. Allele origin: germline.

NM_002878.4(RAD51D):c.346-4C>G

Genes: RAD51L3-RFFL (RAD51L3-RFFL readthrough; minus strand), RAD51D (RAD51 paralog D; minus strand). Cytogenetic location: 17q12.
Variant type: single nucleotide variant.
Coding change: c.346-4C>G on transcript NM_002878.4 (MANE Select); 4 bases into the intron before coding-DNA position 346, C replaced by G.
Molecular consequence: intron variant.
Genome position (GRCh38, 1-based): chr17:35,107,126, G>C on the plus strand (C>G on the coding strand, the complement: RAD51D is on the minus strand). VCF-style: chr17-35107126-G-C. GRCh37 (hg19) VCF-style: chr17-33434145-G-C.
Other names: c.145-645C>G (NM_133629.3); c.406-4C>G (NM_001142571.2).
Identifiers: ClinVar variation 492427 (VCV000492427.18), dbSNP rs767328693, ClinGen allele CA8499490.